The following is an entry in ClinVar:

NM_001243279.3(ACSF3):c.1446_1447del (p.Tyr482_Lys483delinsTer)

Gene: ACSF3 (acyl-CoA synthetase family member 3; plus strand). Cytogenetic location: 16q24.3.
Variant type: Deletion.
Coding change: c.1446_1447del on transcript NM_001243279.3 (MANE Select); coding-DNA positions 1446 to 1447, 2 bases deleted (CA; older notation c.1446_1447delCA).
Protein change: p.Tyr482_Lys483delinsTer.
Molecular consequence: nonsense. On other transcripts: non-coding transcript variant (4).
Genome position (GRCh38, 1-based): chr16:89,145,346-89,145,347, CA deleted; deleting any 2 consecutive bases within chr16:89,145,345-89,145,347 gives the same sequence; the c. name uses the placement nearest the transcript's 3' end. VCF-style (leftmost placement, unchanged base first): chr16-89145344-TAC-T. GRCh37 (hg19) VCF-style: chr16-89211752-TAC-T.
Other names: c.1446_1447delCA (NM_174917.5); c.1446_1447del, p.Tyr482_Lys483delinsTer (NM_001127214.4, NM_174917.5); c.651_652del, p.Tyr217_Lys218delinsTer (NM_001284316.2).
Identifiers: ClinVar variation 419126 (VCV000419126.14), dbSNP rs1064793662, ClinGen allele CA16620296.

ClinVar aggregate classification (germline): Pathogenic. Review status: criteria provided, multiple submitters, no conflicts (2 of 4 stars). 5 submissions from 5 submitters: Pathogenic (4). 1 of the submissions does not count toward it. Last evaluated 2023-12-31.

Conditions:
Combined malonic and methylmalonic acidemia. Identifiers: Orphanet 289504, MedGen C3280314, MONDO:0013661, OMIM 614265.
Methylmalonic acidemia (MMA). Also called: Isolated Methylmalonic Acidemia. Identifiers: MedGen C0268583, MeSH C537358, MONDO:0002012, HP:0002912.

Submissions (5):

Baylor Genetics
Classification: Pathogenic for Combined malonic and methylmalonic acidemia. Last evaluated: 2023-12-31. Review status: criteria provided, single submitter. Criteria: ACMG Guidelines, 2015. Collection method: clinical testing. Allele origin: unknown.

Labcorp Genetics (formerly Invitae), Labcorp
Classification: Pathogenic for Combined malonic and methylmalonic acidemia. Last evaluated: 2022-08-04. Review status: criteria provided, single submitter. Criteria: Invitae Variant Classification Sherloc (09022015). Collection method: clinical testing. Allele origin: germline.
Comment: This premature translational stop signal has been observed in individual(s) with combined malonic and methylmalonic aciduria (PMID: 30041674). In at least one individual the data is consistent with being in trans (on the opposite chromosome) from a pathogenic variant. For these reasons, this variant has been classified as Pathogenic. ClinVar contains an entry for this variant (Variation ID: 419126). This variant is not present in population databases (gnomAD no frequency). This sequence change creates a premature translational stop signal (p.Tyr482*) in the ACSF3 gene. It is expected to result in an absent or disrupted protein product. Loss-of-function variants in ACSF3 are known to be pathogenic (PMID: 21841779, 26827111).

Fulgent Genetics
Classification: Pathogenic for Combined malonic and methylmalonic acidemia. Last evaluated: 2022-04-18. Review status: criteria provided, single submitter. Criteria: ACMG Guidelines, 2015. Collection method: clinical testing. Allele origin: unknown.

GeneDx
Classification: Pathogenic. Last evaluated: 2015-05-21. Review status: criteria provided, single submitter. Criteria: GeneDx Variant Classification (06012015). Collection method: clinical testing. Allele origin: germline. Affected: yes.
Comment: The c.1446_1447delCA deletion in the ACSF3 gene causes the replacement of the normal Tyrosine codon atposition 482 with a Stop codon, denoted p.Tyr482Ter. This variant is predicted to cause loss of normalprotein function either through protein truncation or nonsense-mediated mRNA decay. Although thisdeletion has not been previously reported to our knowledge, it is expected to be a pathogenic variant.

Natera, Inc.
Classification: Pathogenic for Methylmalonic acidemia. Last evaluated: 2020-09-16. Review status: no assertion criteria provided. Collection method: clinical testing. Allele origin: germline. Not counted in ClinVar's aggregate classification.

Literature cited by the submitters: PubMed 30041674 (cited by Labcorp Genetics (formerly Invitae), Labcorp); PubMed 21841779 (cited by Labcorp Genetics (formerly Invitae), Labcorp); PubMed 26827111 (cited by Labcorp Genetics (formerly Invitae), Labcorp).